The following is an entry in ClinVar:

ClinVar aggregate classification (germline): Uncertain significance (1 of 4 stars; one submission).

Conditions:
Inborn genetic diseases. Identifiers: MedGen C0950123, MeSH D030342.

Allele frequency attached by ClinVar (database versions not stated): TOPMed 0.00002; ExAC 0.00002; gnomAD 0.00001.
gnomAD v4.1: 22 of 1,613,494 alleles (0.0014%); highest among the groups gnomAD compares: East Asian, 0.0045%; no homozygotes.

Submission:

Ambry Genetics
Classification: Uncertain significance for Inborn genetic diseases. Last evaluated: 2026-04-28. Review status: criteria provided, single submitter. Criteria: Ambry Variant Classification Scheme 2023. Collection method: clinical testing. Allele origin: germline.
Comment: The c.313C>T (p.R105C) alteration is located in exon 3 (coding exon 2) of the SP110 gene. This alteration results from a C to T substitution at nucleotide position 313, causing the arginine (R) at amino acid position 105 to be replaced by a cysteine (C). Based on data from gnomAD, the T allele has an overall frequency of 0.002% (5/250878) total alleles studied. The highest observed frequency was 0.005% (1/18394) of East Asian alleles. Based on insufficient or conflicting evidence, the clinical significance of this alteration remains unclear.

NM_080424.4(SP110):c.313C>T (p.Arg105Cys)

Genes: SP110 (SP110 nuclear body protein; minus strand), SP140 (SP140 nuclear body protein; plus strand). Cytogenetic location: 2q37.1.
Variant type: single nucleotide variant.
Coding change: c.313C>T on transcript NM_080424.4 (MANE Select); coding-DNA position 313, C replaced by T.
Protein change: p.Arg105Cys; replaces arginine 105 with cysteine.
Molecular consequence: missense variant.
Genome position (GRCh38, 1-based): chr2:230,214,953, G>A on the plus strand (C>T on the coding strand, the complement: SP110 is on the minus strand). VCF-style: chr2-230214953-G-A. GRCh37 (hg19) VCF-style: chr2-231079668-G-A.
Other names: c.331C>T, p.Arg111Cys (NM_001185015.2, NM_001378442.1, NM_001378444.1 and 2 more transcripts); c.313C>T, p.Arg105Cys (NM_001378443.1, NM_001378447.1, NM_004509.5 and 1 more transcripts); short protein forms R105C, R111C.
Identifiers: ClinVar variation 2595228 (VCV002595228.3), dbSNP rs201836856, ClinGen allele CA2154869.
Genomic context (GRCh38, chr2:230,214,953, plus strand): 5'-CAGACTTTTACCATAGCAACTTTTTAAATGCAAAAAGCACTTGAGAAATCTCATTACCAC[G>A]TTTGAAGCTTCTGTAAATCGTCACCAGATTGGGATATTCACGCAGGTTAATTTGACTGAA-3'
Protein context (NP_536349.3, residues 95-115): NLVTIYRSFK[Arg105Cys]VGASYEWQSR